The following is an entry in ClinVar:

NM_001365951.3(KIF1B):c.4875C>T (p.Ser1625=)

Gene: KIF1B (kinesin family member 1B; plus strand). Cytogenetic location: 1p36.22.
Variant type: single nucleotide variant.
Coding change: c.4875C>T on transcript NM_001365951.3 (MANE Select); coding-DNA position 4875, C replaced by T.
Protein change: p.Ser1625=; no amino-acid change (serine 1625 retained).
Molecular consequence: synonymous variant.
Genome position (GRCh38, 1-based): chr1:10,371,191, C>T. VCF-style: chr1-10371191-C-T. GRCh37 (hg19) VCF-style: chr1-10431249-C-T.
Other names: c.4875C>T, p.Ser1625= (NM_001365952.1); c.4737C>T, p.Ser1579= (NM_015074.3).
Identifiers: ClinVar variation 3533906 (VCV003533906.1).

ClinVar aggregate classification (germline): Uncertain significance (1 of 4 stars; one submission).

Submission:

Ambry Genetics
Classification: Uncertain significance. Last evaluated: 2024-10-25. Review status: criteria provided, single submitter. Criteria: Ambry Variant Classification Scheme 2023. Collection method: clinical testing. Allele origin: germline.
Comment: The c.4737C>T variant (also known as p.S1579S), located in coding exon 42 of the KIF1B gene, results from a C to T substitution at nucleotide position 4737. This nucleotide substitution does not change the at codon 1579. This nucleotide position is highly conserved in available vertebrate species. In silico splice site analysis for this alteration is inconclusive. The evidence for this gene-disease relationship is limited; therefore, the clinical significance of this alteration is unclear.